The following is an entry in ClinVar:

ClinVar aggregate classification (germline): Pathogenic. Review status: criteria provided, multiple submitters, no conflicts (2 of 4 stars). 4 submissions from 4 submitters: Pathogenic (4). Last evaluated 2025-05-23.

Conditions:
Leber congenital amaurosis 8 (LCA8). Identifiers: Orphanet 65, MedGen C3151202, MONDO:0013453, OMIM 613835.
Pigmented paravenous retinochoroidal atrophy. Identifiers: Orphanet 251295, MedGen C1868310, MONDO:0008246, OMIM 172870.
Retinitis pigmentosa 12 (RP12). Also called: RP WITH OR WITHOUT PRESERVED PARAARTERIOLE RETINAL PIGMENT EPITHELIUM; RETINITIS PIGMENTOSA WITH OR WITHOUT PARAARTERIOLAR PRESERVATION OF RETINAL PIGMENT EPITHELIUM; RP WITH OR WITHOUT PPRPE. Identifiers: Orphanet 791, MedGen C1838647, MONDO:0010818, OMIM 600105.
CRB1-related disorder. Also called: CRB1-related disorders; CRB1-related condition.

Submissions (4):

Labcorp Genetics (formerly Invitae), Labcorp
Classification: Pathogenic for Leber congenital amaurosis 8; Retinitis pigmentosa 12. Last evaluated: 2025-05-23. Review status: criteria provided, single submitter. Criteria: Invitae Variant Classification Sherloc (09022015). Collection method: clinical testing. Allele origin: germline.
Comment: This sequence change creates a premature translational stop signal (p.Val554Cysfs*19) in the CRB1 gene. It is expected to result in an absent or disrupted protein product. Loss-of-function variants in CRB1 are known to be pathogenic (PMID: 10508521, 22065545, 23379534, 25412400, 26957898, 28041643, 29391521). This variant is not present in population databases (gnomAD no frequency). This premature translational stop signal has been observed in individual(s) with retinal disorders (PMID: 36369640, 36460718). ClinVar contains an entry for this variant (Variation ID: 1384992). For these reasons, this variant has been classified as Pathogenic.

Blueprint Genetics
Classification: Pathogenic for CRB1-related disorders. Last evaluated: 2024-04-08. Review status: criteria provided, single submitter. Criteria: ACMG Guidelines, 2015. Collection method: clinical testing. Allele origin: germline. Affected: yes. Observed: 3 variant alleles.

Fulgent Genetics
Classification: Pathogenic for Pigmented paravenous retinochoroidal atrophy; Retinitis pigmentosa 12; Leber congenital amaurosis 8. Last evaluated: 2024-02-29. Review status: criteria provided, single submitter. Criteria: ACMG Guidelines, 2015. Collection method: clinical testing. Allele origin: germline.

Baylor Genetics
Classification: Pathogenic for Leber congenital amaurosis 8. Last evaluated: 2023-12-17. Review status: criteria provided, single submitter. Criteria: ACMG Guidelines, 2015. Collection method: clinical testing. Allele origin: unknown.

Literature cited by the submitters: PubMed 10508521 (cited by Labcorp Genetics (formerly Invitae), Labcorp); PubMed 22065545 (cited by Labcorp Genetics (formerly Invitae), Labcorp); PubMed 23379534 (cited by Labcorp Genetics (formerly Invitae), Labcorp); PubMed 25412400 (cited by Labcorp Genetics (formerly Invitae), Labcorp); PubMed 26957898 (cited by Labcorp Genetics (formerly Invitae), Labcorp); PubMed 28041643 (cited by Labcorp Genetics (formerly Invitae), Labcorp); PubMed 29391521 (cited by Labcorp Genetics (formerly Invitae), Labcorp); PubMed 36369640 (cited by Labcorp Genetics (formerly Invitae), Labcorp); PubMed 36460718 (cited by Labcorp Genetics (formerly Invitae), Labcorp).

NM_201253.3(CRB1):c.1660del (p.Val554fs)

Gene: CRB1 (crumbs cell polarity complex component 1; plus strand). Cytogenetic location: 1q31.3.
Variant type: Deletion.
Coding change: c.1660del on transcript NM_201253.3 (MANE Select); coding-DNA position 1660, one base deleted (G; older notation c.1660delG).
Protein change: p.Val554fs; shifts the reading frame from valine 554.
Molecular consequence: frameshift variant. On other transcripts: non-coding transcript variant (2).
Genome position (GRCh38, 1-based): chr1:197,421,488, G deleted; the last of 2 consecutive G bases (chr1:197,421,487-197,421,488); deleting either gives the same sequence. VCF-style (leftmost placement, unchanged base first): chr1-197421486-AG-A. GRCh37 (hg19) VCF-style: chr1-197390616-AG-A.
Other names: c.1324del, p.Val442fs (NM_001193640.2); c.1453del, p.Val485fs (NM_001257965.2); c.1660del, p.Val554fs (NM_001257966.2); short protein forms V554fs, V485fs, V442fs.
Identifiers: ClinVar variation 1384992 (VCV001384992.9), dbSNP rs1664313783, ClinGen allele CA1218063146.
Genomic context (GRCh38, chr1:197,421,486, plus strand): 5'-TGAAGCTGGAGCTGCTAAGTGGCTACATTCACTTATCAATTCAGGTCAATAATCAGTCAA[AG>A]GTGCTTCTGTTCATTTCCCACAACACCAGCGATGGAGAGTGGCATTTCGTGGAGGTAATA-3'